The following is an entry in ClinVar:

NM_004984.4(KIF5A):c.1362+3A>C

Gene: KIF5A (kinesin family member 5A; plus strand). Cytogenetic location: 12q13.3.
Variant type: single nucleotide variant.
Coding change: c.1362+3A>C on transcript NM_004984.4 (MANE Select); 3 bases into the intron after coding-DNA position 1362, A replaced by C.
Molecular consequence: intron variant.
Genome position (GRCh38, 1-based): chr12:57,571,392, A>C. VCF-style: chr12-57571392-A-C. GRCh37 (hg19) VCF-style: chr12-57965175-A-C.
Other names: c.1095+3A>C (NM_001354705.2).
Identifiers: ClinVar variation 2133068 (VCV002133068.4), dbSNP rs2540503067, ClinGen allele CA2580086591.

ClinVar aggregate classification (germline): Uncertain significance (1 of 4 stars; one submission).

Conditions:
Spastic paraplegia. Identifiers: MedGen C0037772, HP:0001258.

Submission:

Labcorp Genetics (formerly Invitae), Labcorp
Classification: Uncertain significance for Spastic paraplegia. Last evaluated: 2022-05-03. Review status: criteria provided, single submitter. Criteria: Invitae Variant Classification Sherloc (09022015). Collection method: clinical testing. Allele origin: germline.
Comment: In summary, the available evidence is currently insufficient to determine the role of this variant in disease. Therefore, it has been classified as a Variant of Uncertain Significance. Variants that disrupt the consensus splice site are a relatively common cause of aberrant splicing (PMID: 17576681, 9536098). Algorithms developed to predict the effect of sequence changes on RNA splicing suggest that this variant may disrupt the consensus splice site. This variant has not been reported in the literature in individuals affected with KIF5A-related conditions. This variant is not present in population databases (gnomAD no frequency). This sequence change falls in intron 13 of the KIF5A gene. It does not directly change the encoded amino acid sequence of the KIF5A protein. It affects a nucleotide within the consensus splice site.

Literature cited by the submitters: PubMed 17576681; PubMed 9536098.